The following is an entry in ClinVar:

NM_014806.5(RUSC2):c.2671C>T (p.Pro891Ser)

Gene: RUSC2 (RUN and SH3 domain containing 2; plus strand). Cytogenetic location: 9p13.3.
Variant type: single nucleotide variant.
Coding change: c.2671C>T on transcript NM_014806.5 (MANE Select); coding-DNA position 2671, C replaced by T.
Protein change: p.Pro891Ser; replaces proline 891 with serine.
Molecular consequence: missense variant. On other transcripts: non-coding transcript variant (1).
Genome position (GRCh38, 1-based): chr9:35,555,966, C>T. VCF-style: chr9-35555966-C-T. GRCh37 (hg19) VCF-style: chr9-35555963-C-T.
Other names: c.2671C>T, p.Pro891Ser (NM_001135999.2); c.37C>T, p.Pro13Ser (NM_001330740.2); short protein forms P891S, P13S.
Identifiers: ClinVar variation 1385257 (VCV001385257.8), dbSNP rs2131696959, ClinGen allele CA373344246.

ClinVar aggregate classification (germline): Uncertain significance (1 of 4 stars; one submission).

Allele frequency attached by ClinVar (database versions not stated): gnomAD exomes below 0.00001.
gnomAD v4.1: 3 of 1,614,186 alleles (0.00019%); highest among the groups gnomAD compares: Non-Finnish European, 0.00025%; no homozygotes.

Submission:

Labcorp Genetics (formerly Invitae), Labcorp
Classification: Uncertain significance. Last evaluated: 2022-02-24. Review status: criteria provided, single submitter. Criteria: Invitae Variant Classification Sherloc (09022015). Collection method: clinical testing. Allele origin: germline.
Comment: This sequence change replaces proline, which is neutral and non-polar, with serine, which is neutral and polar, at codon 891 of the RUSC2 protein (p.Pro891Ser). In summary, the available evidence is currently insufficient to determine the role of this variant in disease. Therefore, it has been classified as a Variant of Uncertain Significance. This variant is not present in population databases (gnomAD no frequency). This variant has not been reported in the literature in individuals affected with RUSC2-related conditions. Algorithms developed to predict the effect of missense changes on protein structure and function (SIFT, PolyPhen-2, Align-GVGD) all suggest that this variant is likely to be disruptive.